The following is an entry in ClinVar:

ClinVar aggregate classification (germline): Uncertain significance. Review status: criteria provided, multiple submitters, no conflicts (2 of 4 stars). 2 submissions from 2 submitters: Uncertain significance (2). Last evaluated 2022-10-27.

Conditions:
Loeys-Dietz syndrome 2 (LDS2). Also called: TGFBR2-Related Loeys-Dietz Syndrome; AORTIC ANEURYSM, FAMILIAL THORACIC 3; MARFAN SYNDROME, TYPE II; Marfan syndrome, type 2 (formerly); Marfan Syndrome type 2; Marfan like connective tissue disorder. Identifiers: Orphanet 284973, Orphanet 558, MedGen C2674574, MONDO:0012427, OMIM 610168.

Allele frequency attached by ClinVar (database versions not stated): gnomAD exomes below 0.00001.
gnomAD v4.1: 1 of 1,607,840 alleles (0.000062%); highest among the groups gnomAD compares: African/African-American, 0.0013%; no homozygotes.

Submissions (2):

Ambry Genetics
Classification: Uncertain significance. Last evaluated: 2022-10-27. Review status: criteria provided, single submitter. Criteria: Ambry Variant Classification Scheme 2023. Collection method: clinical testing. Allele origin: germline.
Comment: The p.A587V variant (also known as c.1760C>T), located in coding exon 4 of the TMPO gene, results from a C to T substitution at nucleotide position 1760. The alanine at codon 587 is replaced by valine, an amino acid with similar properties. This amino acid position is conserved. In addition, the in silico prediction for this alteration is inconclusive. Since supporting evidence is limited at this time, the clinical significance of this alteration remains unclear.

Labcorp Genetics (formerly Invitae), Labcorp
Classification: Uncertain significance for Loeys-Dietz syndrome 2. Last evaluated: 2022-03-08. Review status: criteria provided, single submitter. Criteria: Invitae Variant Classification Sherloc (09022015). Collection method: clinical testing. Allele origin: germline.
Comment: This sequence change replaces alanine, which is neutral and non-polar, with valine, which is neutral and non-polar, at codon 587 of the TMPO protein (p.Ala587Val). In summary, the available evidence is currently insufficient to determine the role of this variant in disease. Therefore, it has been classified as a Variant of Uncertain Significance. Algorithms developed to predict the effect of missense changes on protein structure and function are either unavailable or do not agree on the potential impact of this missense change (SIFT: "Tolerated"; PolyPhen-2: "Probably Damaging"; Align-GVGD: "Class C0"). This variant has not been reported in the literature in individuals affected with TMPO-related conditions. This variant is not present in population databases (gnomAD no frequency).

NM_001032283.3(TMPO):c.565+2179C>T

Gene: TMPO (thymopoietin; plus strand). Cytogenetic location: 12q23.1.
Variant type: single nucleotide variant.
Coding change: c.565+2179C>T on transcript NM_001032283.3 (MANE Select); 2179 bases into the intron after coding-DNA position 565, C replaced by T.
Molecular consequence: intron variant. On other transcripts: missense variant (1).
Genome position (GRCh38, 1-based): chr12:98,534,017, C>T. VCF-style: chr12-98534017-C-T. GRCh37 (hg19) VCF-style: chr12-98927795-C-T.
Other names: c.1760C>T, p.Ala587Val (NM_003276.2); c.565+2179C>T (NM_001307975.2, NM_001032284.3); short protein forms A587V.
Identifiers: ClinVar variation 1779571 (VCV001779571.7), dbSNP rs2548504799, ClinGen allele CA386153877.
Genomic context (GRCh38, chr12:98,534,017, plus strand): 5'-TAGCACTCTGTAGAGCATATGAAGCTGCAGCATCAGCATTGCAGATTGCAACTCACACTG[C>T]CTTTGTAGCTAAGGCTATGCAGGCAGACATTAGTCAAGCTGCACAGATTCTTAGCTCAGA-3'